The following is an entry in ClinVar:

ClinVar aggregate classification (germline): Likely benign. Review status: criteria provided, single submitter (1 of 4 stars). 2 submissions from 2 submitters: Likely benign (1). 1 of the submissions does not count toward it. Last evaluated 2025-09-03.

Conditions:
KMT2C-related disorder. Also called: KMT2C-related condition; KMT2C-related disorders.

Allele frequency attached by ClinVar (database versions not stated): ESP Exome Variant Server 0.00015; gnomAD 0.00027; 1000 Genomes Project 0.00040; 1000 Genomes Project 30x 0.00047.
gnomAD v4.1: 109 of 1,569,750 alleles (0.0069%); highest among the groups gnomAD compares: African/African-American, 0.081%; no homozygotes.

Submissions (2):

Labcorp Genetics (formerly Invitae), Labcorp
Classification: Likely benign. Last evaluated: 2025-09-03. Review status: criteria provided, single submitter. Criteria: Invitae Variant Classification Sherloc (09022015). Collection method: clinical testing. Allele origin: germline.

PreventionGenetics, part of Exact Sciences
Classification: Likely benign for KMT2C-related condition. Last evaluated: 2022-06-17. Review status: no assertion criteria provided. Collection method: clinical testing. Allele origin: germline. Not counted in ClinVar's aggregate classification.
Comment: This variant is classified as likely benign based on ACMG/AMP sequence variant interpretation guidelines (Richards et al. 2015 PMID: 25741868, with internal and published modifications).

NM_170606.3(KMT2C):c.7489C>T (p.Arg2497Cys)

Gene: KMT2C (lysine methyltransferase 2C; minus strand). Cytogenetic location: 7q36.1.
Variant type: single nucleotide variant.
Coding change: c.7489C>T on transcript NM_170606.3 (MANE Select); coding-DNA position 7489, C replaced by T.
Protein change: p.Arg2497Cys; replaces arginine 2497 with cysteine.
Molecular consequence: missense variant.
Genome position (GRCh38, 1-based): chr7:152,177,964, G>A on the plus strand (C>T on the coding strand, the complement: KMT2C is on the minus strand). VCF-style: chr7-152177964-G-A. GRCh37 (hg19) VCF-style: chr7-151875049-G-A.
Other names: c.7489C>T (NM_170606.2); short protein forms R2497C.
Identifiers: ClinVar variation 2145076 (VCV002145076.6), dbSNP rs150994342, ClinGen allele CA4579815.